The following is an entry in ClinVar:

ClinVar aggregate classification (germline): Uncertain significance (1 of 4 stars; one submission).

Conditions:
Inborn genetic diseases. Identifiers: MedGen C0950123, MeSH D030342.

Allele frequency attached by ClinVar (database versions not stated): TOPMed below 0.00001; gnomAD 0.00001; gnomAD exomes 0.00001.
gnomAD v4.1: 5 of 1,612,998 alleles (0.00031%); highest among the groups gnomAD compares: Non-Finnish European, 0.00034%; no homozygotes.

Submission:

Ambry Genetics
Classification: Uncertain significance for Inborn genetic diseases. Last evaluated: 2025-12-15. Review status: criteria provided, single submitter. Criteria: Ambry Variant Classification Scheme 2023. Collection method: clinical testing. Allele origin: germline.
Comment: The p.A3V variant (also known as c.8C>T), located in coding exon 1 of the BUB1B gene, results from a C to T substitution at nucleotide position 8. The alanine at codon 3 is replaced by valine, an amino acid with similar properties. This amino acid position is conserved. In addition, this alteration is predicted to be tolerated by in silico analysis. Since supporting evidence is limited at this time, the clinical significance of this alteration remains unclear.

NM_001211.6(BUB1B):c.8C>T (p.Ala3Val)

Genes: BUB1B (BUB1 mitotic checkpoint serine/threonine kinase B; plus strand), LOC130056830 (ATAC-STARR-seq lymphoblastoid active region 9236; plus strand). Cytogenetic location: 15q15.1.
Variant type: single nucleotide variant.
Coding change: c.8C>T on transcript NM_001211.6 (MANE Select); coding-DNA position 8, C replaced by T.
Protein change: p.Ala3Val; replaces alanine 3 with valine.
Molecular consequence: missense variant.
Genome position (GRCh38, 1-based): chr15:40,161,228, C>T. VCF-style: chr15-40161228-C-T. GRCh37 (hg19) VCF-style: chr15-40453429-C-T.
Other names: short protein forms A3V.
Identifiers: ClinVar variation 1765420 (VCV001765420.4), dbSNP rs1276841522, ClinGen allele CA391676456.